The following is an entry in ClinVar:

NM_016529.6(ATP8A2):c.2333G>A (p.Arg778Gln)

Gene: ATP8A2 (ATPase phospholipid transporting 8A2). Cytogenetic location: 13q12.13.
Variant type: single nucleotide variant.
Coding change: c.2333G>A on transcript NM_016529.6 (MANE Select); coding-DNA position 2333, G replaced by A.
Protein change: p.Arg778Gln; replaces arginine 778 with glutamine.
Molecular consequence: missense variant.
Genome position (GRCh38, 1-based): chr13:25,699,294, G>A. VCF-style: chr13-25699294-G-A. GRCh37 (hg19) VCF-style: chr13-26273432-G-A.
Other names: p.Arg778Gln; c.2213G>A, p.Arg738Gln (NM_001313741.1); c.2333G>A (NM_016529.4); short protein forms R738Q, R778Q.
Identifiers: ClinVar variation 522654 (VCV000522654.12), dbSNP rs202017613, ClinGen allele CA6923286.
Genomic context (GRCh38, chr13:25,699,294, plus strand): 5'-ATGACGTGGCCCTGATCATCGATGGCCACACCCTGAAGTACGCGCTCTCCTTCGAAGTCC[G>A]GAGGAGTTTCCTGGATTTGGCACTCTCGTGCAAAGCGGTCATATGCTGCAGGTAGGAACC-3'
Protein context (NP_057613.4, residues 768-788): TLKYALSFEV[Arg778Gln]RSFLDLALSC

ClinVar aggregate classification (germline): Conflicting classifications of pathogenicity. Review status: criteria provided, conflicting classifications (1 of 4 stars). 4 submissions from 4 submitters: Uncertain significance (3); Likely benign (1). Last evaluated 2025-10-13.

Conditions:
Inborn genetic diseases. Identifiers: MedGen C0950123, MeSH D030342.
Cerebellar ataxia, impaired intellectual development, and dysequilibrium syndrome 4. Also called: CEREBELLAR ATAXIA AND MENTAL RETARDATION WITH OR WITHOUT QUADRUPEDAL LOCOMOTION 4; Cerebellar ataxia, mental retardation, and dysequilibrium syndrome 4; Cerebellar ataxia, intellectual disability, and dysequilibrium syndrome 4. Identifiers: Orphanet 1766, MedGen C3808977, MONDO:0014104, OMIM 615268.

Allele frequency attached by ClinVar (database versions not stated): TOPMed 0.00039; gnomAD 0.00040 and 0.00036; gnomAD exomes 0.00060 and 0.00043; ExAC 0.00032; ESP Exome Variant Server 0.00025.
gnomAD v4.1: 921 of 1,613,636 alleles (0.057%); highest among the groups gnomAD compares: Middle Eastern, 0.12%; 2 homozygotes.

Submissions (4):

Labcorp Genetics (formerly Invitae), Labcorp
Classification: Likely benign. Last evaluated: 2025-10-13. Review status: criteria provided, single submitter. Criteria: Invitae Variant Classification Sherloc (09022015). Collection method: clinical testing. Allele origin: germline.

Mayo Clinic Laboratories, Mayo Clinic
Classification: Uncertain significance. Last evaluated: 2024-12-24. Review status: criteria provided, single submitter. Criteria: ACMG Guidelines, 2015. Collection method: clinical testing. Allele origin: germline. Observed: 1 variant allele.
Comment: BS1

Ambry Genetics
Classification: Uncertain significance for Inborn genetic diseases. Last evaluated: 2022-04-25. Review status: criteria provided, single submitter. Criteria: Ambry Variant Classification Scheme 2023. Collection method: clinical testing. Allele origin: germline.

Genomic Research Center, Shahid Beheshti University of Medical Sciences
Classification: Uncertain significance for Cerebellar ataxia, mental retardation, and dysequilibrium syndrome 4. Last evaluated: 2020-05-03. Review status: criteria provided, single submitter. Criteria: ACMG Guidelines, 2015. Collection method: clinical testing. Allele origin: unknown.

Literature cited by the submitters: PubMed 31589614 (cited by Mayo Clinic Laboratories, Mayo Clinic); PubMed 31985809 (cited by Mayo Clinic Laboratories, Mayo Clinic); PubMed 35885997 (cited by Mayo Clinic Laboratories, Mayo Clinic).